The following is an entry in ClinVar:

ClinVar aggregate classification (germline): Uncertain significance. Review status: criteria provided, multiple submitters, no conflicts (2 of 4 stars). 3 submissions from 3 submitters: Uncertain significance (3). Last evaluated 2025-11-03.

Conditions:
Leukodystrophy, hypomyelinating, 7, with or without oligodontia and/or hypogonadotropic hypogonadism (HLD7). Also called: Ataxia, Delayed Dentition and Hypomyelination (ADDH); LEUKOENCEPHALOPATHY, HYPOMYELINATING, WITH ATAXIA AND DELAYED DENTITION; ATAXIA, DELAYED DENTITION, AND HYPOMYELINATION; LEUKODYSTROPHY, HYPOMYELINATING, 7, WITH OLIGODONTIA; LEUKODYSTROPHY, HYPOMYELINATING, 7, WITH OLIGODONTIA AND HYPOGONADOTROPIC HYPOGONADISM; LEUKODYSTROPHY, HYPOMYELINATING, 7, WITHOUT OLIGODONTIA OR HYPOGONADOTROPIC HYPOGONADISM. Identifiers: Orphanet 137639, Orphanet 447893, Orphanet 447896, Orphanet 77295, Orphanet 88637, MedGen CN034185, MONDO:0011897, OMIM 607694.

Allele frequency attached by ClinVar (database versions not stated): ExAC 0.00014; TOPMed 0.00017; ESP Exome Variant Server 0.00023.
gnomAD v4.1: 195 of 1,614,046 alleles (0.012%); highest among the groups gnomAD compares: Admixed American, 0.09%; no homozygotes.

Submissions (4):

Labcorp Genetics (formerly Invitae), Labcorp
Classification: Uncertain significance. Last evaluated: 2025-11-03. Review status: criteria provided, single submitter. Criteria: Invitae Variant Classification Sherloc (09022015). Collection method: clinical testing. Allele origin: germline.
Comment: This sequence change replaces arginine, which is basic and polar, with histidine, which is basic and polar, at codon 1159 of the POLR3A protein (p.Arg1159His). This variant is present in population databases (rs150484386, gnomAD 0.07%). This variant has not been reported in the literature in individuals affected with POLR3A-related conditions. ClinVar contains an entry for this variant (Variation ID: 878906). Invitae Evidence Modeling of protein sequence and biophysical properties (such as structural, functional, and spatial information, amino acid conservation, physicochemical variation, residue mobility, and thermodynamic stability) indicates that this missense variant is not expected to disrupt POLR3A protein function with a negative predictive value of 80%. In summary, the available evidence is currently insufficient to determine the role of this variant in disease. Therefore, it has been classified as a Variant of Uncertain Significance.

Blueprint Genetics
Classification: Uncertain significance. Last evaluated: 2024-11-26. Review status: criteria provided, single submitter. Criteria: ACMG Guidelines, 2015. Collection method: clinical testing. Allele origin: germline.

Illumina Laboratory Services, Illumina
Classification: Uncertain significance for Leukodystrophy, hypomyelinating, 7, with or without oligodontia and/or hypogonadotropic hypogonadism. Last evaluated: 2018-01-13. Review status: criteria provided, single submitter. Criteria: ICSL Variant Classification Criteria 13 December 2019. Collection method: clinical testing. Allele origin: germline.

Dr. Peter K. Rogan Lab, Western University
No classification provided (evidence only). Condition: Lung cancer. Review status: no classification provided. Collection method: in vitro. Allele origin: not applicable. Functional consequence: retained intron. Not counted in ClinVar's aggregate classification.

NM_007055.4(POLR3A):c.3476G>A (p.Arg1159His)

Gene: POLR3A (RNA polymerase III subunit A; minus strand). Cytogenetic location: 10q22.3.
Variant type: single nucleotide variant.
Coding change: c.3476G>A on transcript NM_007055.4 (MANE Select); coding-DNA position 3476, G replaced by A.
Protein change: p.Arg1159His; replaces arginine 1159 with histidine.
Molecular consequence: missense variant.
Genome position (GRCh38, 1-based): chr10:77,982,771, C>T on the plus strand (G>A on the coding strand, the complement: POLR3A is on the minus strand). VCF-style: chr10-77982771-C-T. GRCh37 (hg19) VCF-style: chr10-79742529-C-T.
Other names: short protein forms R1159H.
Identifiers: ClinVar variation 878906 (VCV000878906.10), dbSNP rs150484386, ClinGen allele CA5570815.